The following is an entry in ClinVar:

NM_005502.4(ABCA1):c.302+5G>A

Gene: ABCA1 (ATP binding cassette subfamily A member 1; minus strand). Cytogenetic location: 9q31.1.
Variant type: single nucleotide variant.
Coding change: c.302+5G>A on transcript NM_005502.4 (MANE Select); 5 bases into the intron after coding-DNA position 302, G replaced by A.
Molecular consequence: intron variant.
Genome position (GRCh38, 1-based): chr9:104,884,422, C>T on the plus strand (G>A on the coding strand, the complement: ABCA1 is on the minus strand). VCF-style: chr9-104884422-C-T. GRCh37 (hg19) VCF-style: chr9-107646703-C-T.
Identifiers: ClinVar variation 2100820 (VCV002100820.1), dbSNP rs2538351091, ClinGen allele CA2580079295.
Genomic context (GRCh38, chr9:104,884,422, plus strand): 5'-GGACAAGAAAGGAAGGAAAAGGATTAACTGACAAGTTTGGAAAGAAAACCTGATCTGATA[C>T]TTACATGGATTTGTTAAAGTTTCCAACAACTCCGGGAGCCTCCCCAGGAGTCGGGTAACG-3'

ClinVar aggregate classification (germline): Uncertain significance (1 of 4 stars; one submission).

Submission:

Labcorp Genetics (formerly Invitae), Labcorp
Classification: Uncertain significance. Last evaluated: 2022-02-21. Review status: criteria provided, single submitter. Criteria: Invitae Variant Classification Sherloc (09022015). Collection method: clinical testing. Allele origin: germline.
Comment: This sequence change falls in intron 4 of the ABCA1 gene. It does not directly change the encoded amino acid sequence of the ABCA1 protein. It affects a nucleotide within the consensus splice site. This variant is not present in population databases (gnomAD no frequency). This variant has not been reported in the literature in individuals affected with ABCA1-related conditions. Variants that disrupt the consensus splice site are a relatively common cause of aberrant splicing (PMID: 17576681, 9536098). Algorithms developed to predict the effect of sequence changes on RNA splicing suggest that this variant may disrupt the consensus splice site. In summary, the available evidence is currently insufficient to determine the role of this variant in disease. Therefore, it has been classified as a Variant of Uncertain Significance.

Literature cited by the submitters: PubMed 17576681; PubMed 9536098.